The following is an entry in ClinVar:

NM_001367721.1(CASK):c.1233+273C>A

Gene: CASK (calcium/calmodulin dependent serine protein kinase; minus strand). Cytogenetic location: Xp11.4.
Variant type: single nucleotide variant.
Coding change: c.1233+273C>A on transcript NM_001367721.1 (MANE Select); 273 bases into the intron after coding-DNA position 1233, C replaced by A.
Molecular consequence: intron variant.
Genome position (GRCh38, 1-based): chrX:41,589,242, G>T on the plus strand (C>A on the coding strand, the complement: CASK is on the minus strand). VCF-style: chrX-41589242-G-T. GRCh37 (hg19) VCF-style: chrX-41448495-G-T.
Other names: c.1215+273C>A (NM_001126055.3, NM_001410745.1); c.1233+273C>A (NM_001126054.3, NM_003688.4).
Identifiers: ClinVar variation 668858 (VCV000668858.1), dbSNP rs12008943, ClinGen allele CA329233018.

ClinVar aggregate classification (germline): Benign (1 of 4 stars; one submission).

Allele frequency attached by ClinVar (database versions not stated): 1000 Genomes Project 0.47974; 1000 Genomes Project 30x 0.48491; TOPMed 0.57256; gnomAD 0.59156.

Submission:

GeneDx
Classification: Benign. Last evaluated: 2018-06-19. Review status: criteria provided, single submitter. Criteria: GeneDx Variant Classification (06012015). Collection method: clinical testing. Allele origin: germline. Affected: yes.
Comment: This variant is considered likely benign or benign based on one or more of the following criteria: it is a conservative change, it occurs at a poorly conserved position in the protein, it is predicted to be benign by multiple in silico algorithms, and/or has population frequency not consistent with disease.